The following is an entry in ClinVar:

ClinVar aggregate classification (germline): Uncertain significance (1 of 4 stars; one submission).

Allele frequency attached by ClinVar (database versions not stated): gnomAD exomes 0.00001; ExAC 0.00002; gnomAD 0.00004; TOPMed 0.00005.
gnomAD v4.1: 94 of 1,122,348 alleles (0.0084%); highest among the groups gnomAD compares: Non-Finnish European, 0.011%; no homozygotes.

Submission:

Labcorp Genetics (formerly Invitae), Labcorp
Classification: Uncertain significance. Last evaluated: 2025-04-17. Review status: criteria provided, single submitter. Criteria: Invitae Variant Classification Sherloc (09022015). Collection method: clinical testing. Allele origin: germline.
Comment: This sequence change replaces methionine, which is neutral and non-polar, with valine, which is neutral and non-polar, at codon 653 of the SH3KBP1 protein (p.Met653Val). This variant is present in population databases (rs11248, gnomAD 0.004%). This variant has not been reported in the literature in individuals affected with SH3KBP1-related conditions. ClinVar contains an entry for this variant (Variation ID: 1434001). An algorithm developed to predict the effect of missense changes on protein structure and function (PolyPhen-2) suggests that this variant is likely to be tolerated. In summary, the available evidence is currently insufficient to determine the role of this variant in disease. Therefore, it has been classified as a Variant of Uncertain Significance.

NM_031892.3(SH3KBP1):c.1957A>G (p.Met653Val)

Gene: SH3KBP1 (SH3 domain containing kinase binding protein 1; minus strand). Cytogenetic location: Xp22.12.
Variant type: single nucleotide variant.
Coding change: c.1957A>G on transcript NM_031892.3 (MANE Select); coding-DNA position 1957, A replaced by G.
Protein change: p.Met653Val; replaces methionine 653 with valine.
Molecular consequence: missense variant.
Genome position (GRCh38, 1-based): chrX:19,536,458, T>C on the plus strand (A>G on the coding strand, the complement: SH3KBP1 is on the minus strand). VCF-style: chrX-19536458-T-C. GRCh37 (hg19) VCF-style: chrX-19554576-T-C.
Other names: c.1846A>G, p.Met616Val (NM_001024666.3); c.1243A>G, p.Met415Val (NM_001184960.2); c.1828A>G, p.Met610Val (NM_001353890.2); c.2032A>G, p.Met678Val (NM_001353891.2); c.1903A>G, p.Met635Val (NM_001353892.2); c.1855A>G, p.Met619Val (NM_001353893.2); c.1726A>G, p.Met576Val (NM_001353894.2); c.1783A>G, p.Met595Val (NM_001353895.2); and 1 more; short protein forms M595V, M616V, M576V, M635V, M372V, M415V, M610V, M678V.
Identifiers: ClinVar variation 1434001 (VCV001434001.6), dbSNP rs11248, ClinGen allele CA10364386.